The following is an entry in ClinVar:

NM_014141.6(CNTNAP2):c.1766C>A (p.Thr589Asn)

Gene: CNTNAP2 (contactin associated protein 2; plus strand). Cytogenetic location: 7q35.
Variant type: single nucleotide variant.
Coding change: c.1766C>A on transcript NM_014141.6 (MANE Select); coding-DNA position 1766, C replaced by A.
Protein change: p.Thr589Asn; replaces threonine 589 with asparagine.
Molecular consequence: missense variant.
Genome position (GRCh38, 1-based): chr7:147,486,030, C>A. VCF-style: chr7-147486030-C-A. GRCh37 (hg19) VCF-style: chr7-147183122-C-A.
Other names: short protein forms T589N.
Identifiers: ClinVar variation 651575 (VCV000651575.11), dbSNP rs756006548, ClinGen allele CA4546190.

ClinVar aggregate classification (germline): Uncertain significance. Review status: criteria provided, multiple submitters, no conflicts (2 of 4 stars). 3 submissions from 3 submitters: Uncertain significance (3). Last evaluated 2024-09-24.

Conditions:
Inborn genetic diseases. Identifiers: MedGen C0950123, MeSH D030342.
Cortical dysplasia-focal epilepsy syndrome (PTHSL1). Also called: Pitt-Hopkins-like syndrome 1. Identifiers: Orphanet 163681, Orphanet 221150, MedGen C2750246, MONDO:0012400, OMIM 610042.

Allele frequency attached by ClinVar (database versions not stated): gnomAD 0.00001; gnomAD exomes 0.00001; TOPMed 0.00001; ExAC 0.00002.
gnomAD v4.1: 15 of 1,613,620 alleles (0.00093%); highest among the groups gnomAD compares: Non-Finnish European, 0.0013%; no homozygotes.

Submissions (3):

GeneDx
Classification: Uncertain significance. Last evaluated: 2024-09-24. Review status: criteria provided, single submitter. Criteria: GeneDx Variant Classification Process June 2021. Collection method: clinical testing. Allele origin: germline. Affected: yes.
Comment: Not observed at significant frequency in large population cohorts (gnomAD); In silico analysis supports that this missense variant has a deleterious effect on protein structure/function; Has not been previously published as pathogenic or benign to our knowledge

Labcorp Genetics (formerly Invitae), Labcorp
Classification: Uncertain significance for Cortical dysplasia-focal epilepsy syndrome. Last evaluated: 2022-10-28. Review status: criteria provided, single submitter. Criteria: Invitae Variant Classification Sherloc (09022015). Collection method: clinical testing. Allele origin: germline.
Comment: In summary, the available evidence is currently insufficient to determine the role of this variant in disease. Therefore, it has been classified as a Variant of Uncertain Significance. Algorithms developed to predict the effect of missense changes on protein structure and function are either unavailable or do not agree on the potential impact of this missense change (SIFT: "Deleterious"; PolyPhen-2: "Probably Damaging"; Align-GVGD: "Class C0"). ClinVar contains an entry for this variant (Variation ID: 651575). This variant has not been reported in the literature in individuals affected with CNTNAP2-related conditions. This variant is present in population databases (rs756006548, gnomAD 0.003%). This sequence change replaces threonine, which is neutral and polar, with asparagine, which is neutral and polar, at codon 589 of the CNTNAP2 protein (p.Thr589Asn).

Ambry Genetics
Classification: Uncertain significance for Inborn genetic diseases. Last evaluated: 2021-08-16. Review status: criteria provided, single submitter. Criteria: Ambry Variant Classification Scheme 2023. Collection method: clinical testing. Allele origin: germline.